The following is an entry in ClinVar:

NM_000535.7(PMS2):c.1836T>C (p.Asn612=)

Gene: PMS2 (PMS1 homolog 2, mismatch repair system component; minus strand). Cytogenetic location: 7p22.1.
Variant type: single nucleotide variant.
Coding change: c.1836T>C on transcript NM_000535.7 (MANE Select); coding-DNA position 1836, T replaced by C.
Protein change: p.Asn612=; no amino-acid change (asparagine 612 retained).
Molecular consequence: synonymous variant. On other transcripts: non-coding transcript variant (1), intron variant (1).
Genome position (GRCh38, 1-based): chr7:5,986,929, A>G on the plus strand (T>C on the coding strand, the complement: PMS2 is on the minus strand). VCF-style: chr7-5986929-A-G. GRCh37 (hg19) VCF-style: chr7-6026560-A-G.
Other names: c.1527T>C, p.Asn509= (NM_001406875.1, NM_001406877.1, NM_001406878.1 and 5 more transcripts); c.1518T>C, p.Asn506= (NM_001406876.1, NM_001406883.1, NM_001406903.1 and 2 more transcripts); c.1512T>C, p.Asn504= (NM_001406884.1); c.1500T>C, p.Asn500= (NM_001406885.1); c.1470T>C, p.Asn490= (NM_001406886.1); c.1431T>C, p.Asn477= (NM_001406887.1, NM_001406888.1, NM_001406889.1 and 16 more transcripts); c.1371T>C, p.Asn457= (NM_001406900.1); c.1362T>C, p.Asn454= (NM_001406901.1, NM_001406902.1); and 13 more.
Identifiers: ClinVar variation 3903591 (VCV003903591.2).

ClinVar aggregate classification (germline): Benign/Likely benign. Review status: criteria provided, multiple submitters, no conflicts (2 of 4 stars). 2 submissions from 2 submitters: Benign (1); Likely benign (1). Last evaluated 2026-08-07.

Conditions:
Lynch syndrome 4 (LYNCH4). Also called: Hereditary non-polyposis colorectal cancer, type 4; Colorectal cancer, hereditary nonpolyposis, type 4. Identifiers: Orphanet 144, MedGen C1838333, MONDO:0013699, OMIM 614337. Disease mechanism: loss of function.
Hereditary cancer-predisposing syndrome. Also called: Hereditary Cancer Syndrome; Hereditary neoplastic syndrome; Neoplastic Syndromes, Hereditary; Tumor predisposition. Identifiers: Orphanet 140162, MedGen C0027672, MeSH D009386, MONDO:0015356.

Submissions (2):

Ambry Genetics
Classification: Likely benign for Hereditary cancer-predisposing syndrome. Last evaluated: 2026-08-07. Review status: criteria provided, single submitter. Criteria: Ambry Variant Classification Scheme 2023. Collection method: clinical testing. Allele origin: germline.

Myriad Genetics, Inc.
Classification: Benign for Lynch syndrome 4. Last evaluated: 2025-01-31. Review status: criteria provided, single submitter. Criteria: Myriad Autosomal Dominant, Autosomal Recessive and X-Linked Classification Criteria (2023). Collection method: clinical testing. Allele origin: unknown.
Comment: This variant is considered benign. This variant is a silent/synonymous amino acid change and it is not expected to impact splicing.